The following is an entry in ClinVar:

ClinVar aggregate classification (germline): Uncertain significance. Review status: criteria provided, multiple submitters, no conflicts (2 of 4 stars). 2 submissions from 2 submitters: Uncertain significance (2). Last evaluated 2024-05-09.

Conditions:
Holoprosencephaly 9 (HPE9). Also called: PITUITARY ANOMALIES WITH HOLOPROSENCEPHALY-LIKE FEATURES; HOLOPROSENCEPHALY WITH MICROPHTHALMIA AND FIRST BRANCHIAL ARCH ANOMALIES. Identifiers: Orphanet 2162, MedGen C1835819, MONDO:0012563, OMIM 610829.
Postaxial polydactyly-anterior pituitary anomalies-facial dysmorphism syndrome. Also called: Culler-Jones syndrome. Identifiers: Orphanet 420584, MedGen C4014479, MONDO:0014369, OMIM 615849.

Allele frequency attached by ClinVar (database versions not stated): gnomAD 0.00002; TOPMed 0.00004.
gnomAD v4.1: 4 of 1,613,024 alleles (0.00025%); highest among the groups gnomAD compares: African/African-American, 0.004%; no homozygotes.

Submissions (2):

Labcorp Genetics (formerly Invitae), Labcorp
Classification: Uncertain significance for Postaxial polydactyly-anterior pituitary anomalies-facial dysmorphism syndrome; Holoprosencephaly 9. Last evaluated: 2024-05-09. Review status: criteria provided, single submitter. Criteria: Invitae Variant Classification Sherloc (09022015). Collection method: clinical testing. Allele origin: germline.
Comment: This sequence change replaces threonine, which is neutral and polar, with alanine, which is neutral and non-polar, at codon 393 of the GLI2 protein (p.Thr393Ala). This variant is present in population databases (no rsID available, gnomAD 0.02%). This variant has not been reported in the literature in individuals affected with GLI2-related conditions. An algorithm developed to predict the effect of missense changes on protein structure and function (PolyPhen-2) suggests that this variant is likely to be disruptive. In summary, the available evidence is currently insufficient to determine the role of this variant in disease. Therefore, it has been classified as a Variant of Uncertain Significance.

GeneDx
Classification: Uncertain significance. Last evaluated: 2023-11-05. Review status: criteria provided, single submitter. Criteria: GeneDx Variant Classification Process June 2021. Collection method: clinical testing. Allele origin: germline. Affected: yes.
Comment: In silico analysis supports that this missense variant does not alter protein structure/function; Has not been previously published as pathogenic or benign to our knowledge

NM_001374353.1(GLI2):c.1177A>G (p.Thr393Ala)

Gene: GLI2 (GLI family zinc finger 2; plus strand). Cytogenetic location: 2q14.2.
Variant type: single nucleotide variant.
Coding change: c.1177A>G on transcript NM_001374353.1 (MANE Select); coding-DNA position 1177, A replaced by G.
Protein change: p.Thr393Ala; replaces threonine 393 with alanine.
Molecular consequence: missense variant.
Genome position (GRCh38, 1-based): chr2:120,972,058, A>G. VCF-style: chr2-120972058-A-G. GRCh37 (hg19) VCF-style: chr2-121729634-A-G.
Other names: c.1177A>G, p.Thr393Ala (NM_001371271.1, NM_005270.5); c.802A>G, p.Thr268Ala (NM_001374354.1); c.1177A>G (NM_005270.4); short protein forms T393A, T268A.
Identifiers: ClinVar variation 2923426 (VCV002923426.4), dbSNP rs889635986, ClinGen allele CA54426732.